The following is an entry in ClinVar:

ClinVar aggregate classification (germline): Likely benign. Review status: criteria provided, multiple submitters, no conflicts (2 of 4 stars). 4 submissions from 4 submitters: Likely benign (3). 1 of the submissions does not count toward it. Last evaluated 2023-08-01.

Conditions:
PRKCG-related disorder. Also called: PRKCG-related condition.

Allele frequency attached by ClinVar (database versions not stated): gnomAD 0.00001 and 0.00002; gnomAD exomes 0.00004 and 0.00006; ExAC 0.00005; TOPMed 0.00007.
gnomAD v4.1: 62 of 1,613,552 alleles (0.0038%); highest among the groups gnomAD compares: Middle Eastern, 0.066%; no homozygotes.

Submissions (4):

CeGaT Center for Human Genetics Tuebingen
Classification: Likely benign. Last evaluated: 2023-08-01. Review status: criteria provided, single submitter. Criteria: CeGaT Center For Human Genetics Tuebingen Variant Classification Criteria Version 2. Collection method: clinical testing. Allele origin: germline. Affected: yes. Observed: 1 variant allele.
Comment: PRKCG: BP4, BP7

Labcorp Genetics (formerly Invitae), Labcorp
Classification: Likely benign. Last evaluated: 2018-08-04. Review status: criteria provided, single submitter. Criteria: Invitae Variant Classification Sherloc (09022015). Collection method: clinical testing. Allele origin: germline.

Breakthrough Genomics
Classification: Likely benign. Review status: criteria provided, single submitter. Criteria: ACMG Guidelines, 2015. Collection method: not provided. Allele origin: germline. Inheritance: Autosomal dominant inheritance. Affected: yes.

PreventionGenetics, part of Exact Sciences
Classification: Likely benign for PRKCG-related condition. Last evaluated: 2019-08-07. Review status: no assertion criteria provided. Collection method: clinical testing. Allele origin: germline. Not counted in ClinVar's aggregate classification.
Comment: This variant is classified as likely benign based on ACMG/AMP sequence variant interpretation guidelines (Richards et al. 2015 PMID: 25741868, with internal and published modifications).

NM_002739.5(PRKCG):c.2043G>C (p.Val681=)

Gene: PRKCG (protein kinase C gamma; plus strand). Cytogenetic location: 19q13.42.
Variant type: single nucleotide variant.
Coding change: c.2043G>C on transcript NM_002739.5 (MANE Select); coding-DNA position 2043, G replaced by C.
Protein change: p.Val681=; no amino-acid change (valine 681 retained).
Molecular consequence: synonymous variant.
Genome position (GRCh38, 1-based): chr19:53,906,844, G>C. VCF-style: chr19-53906844-G-C. GRCh37 (hg19) VCF-style: chr19-54410098-G-C.
Other names: c.2043G>C, p.Val681= (NM_001316329.2).
Identifiers: ClinVar variation 761445 (VCV000761445.29), dbSNP rs55803961, ClinGen allele CA9640760.
Genomic context (GRCh38, chr19:53,906,844, plus strand): 5'-CCTGGCCAGCATCGACCAGGCCGATTTCCAGGGCTTCACCTACGTGAACCCCGACTTCGT[G>C]CACCCGGATGCCCGCAGCCCCACCAGCCCAGTGCCTGTGCCCGTCATGTAATCTCACCCG-3'
Protein context (NP_002730.1, residues 671-691): QGFTYVNPDF[Val681=]HPDARSPTSP